The following is an entry in ClinVar:

NM_001374259.2(IL12RB2):c.984G>T (p.Trp328Cys)

Gene: IL12RB2 (interleukin 12 receptor subunit beta 2; plus strand). Cytogenetic location: 1p31.3.
Variant type: single nucleotide variant.
Coding change: c.984G>T on transcript NM_001374259.2 (MANE Select); coding-DNA position 984, G replaced by T.
Protein change: p.Trp328Cys; replaces tryptophan 328 with cysteine.
Molecular consequence: missense variant. On other transcripts: non-coding transcript variant (2).
Genome position (GRCh38, 1-based): chr1:67,338,649, G>T. VCF-style: chr1-67338649-G-T. GRCh37 (hg19) VCF-style: chr1-67804332-G-T.
Other names: c.984G>T, p.Trp328Cys (NM_001258214.1, NM_001258215.1, NM_001258216.1 and 2 more transcripts); short protein forms W328C.
Identifiers: ClinVar variation 1401222 (VCV001401222.9), dbSNP rs747266023, ClinGen allele CA900356.

ClinVar aggregate classification (germline): Uncertain significance (1 of 4 stars; one submission).

Allele frequency attached by ClinVar (database versions not stated): gnomAD 0.00001; gnomAD exomes 0.00001 and 0.00002; ExAC 0.00002.
gnomAD v4.1: 23 of 1,543,366 alleles (0.0015%); highest among the groups gnomAD compares: South Asian, 0.022%; no homozygotes.

Submission:

Labcorp Genetics (formerly Invitae), Labcorp
Classification: Uncertain significance. Last evaluated: 2024-12-04. Review status: criteria provided, single submitter. Criteria: Invitae Variant Classification Sherloc (09022015). Collection method: clinical testing. Allele origin: germline.
Comment: This sequence change replaces tryptophan, which is neutral and slightly polar, with cysteine, which is neutral and slightly polar, at codon 328 of the IL12RB2 protein (p.Trp328Cys). This variant is present in population databases (rs747266023, gnomAD 0.02%). This variant has not been reported in the literature in individuals affected with IL12RB2-related conditions. ClinVar contains an entry for this variant (Variation ID: 1401222). An algorithm developed to predict the effect of missense changes on protein structure and function (PolyPhen-2) suggests that this variant is likely to be disruptive. In summary, the available evidence is currently insufficient to determine the role of this variant in disease. Therefore, it has been classified as a Variant of Uncertain Significance.